The following is an entry in ClinVar:

ClinVar aggregate classification (germline): Pathogenic. Review status: criteria provided, single submitter (1 of 4 stars). 2 submissions from 2 submitters: Pathogenic (1). 1 of the submissions does not count toward it. Last evaluated 2023-08-16.

Conditions:
Short stature-brachydactyly-obesity-global developmental delay syndrome. Also called: Short stature, brachydactyly, intellectual developmental disability, and seizures; SHORT STATURE, BRACHYDACTYLY, IMPAIRED INTELLECTUAL DEVELOPMENT, AND SEIZURES. Identifiers: Orphanet 464288, MedGen C4310689, MONDO:0014944, OMIM 617157.

gnomAD v4.1: 5 of 1,613,270 alleles (0.00031%); highest among the groups gnomAD compares: Admixed American, 0.0033%; no homozygotes.

Submissions (2):

3billion
Classification: Pathogenic for Short stature-brachydactyly-obesity-global developmental delay syndrome. Last evaluated: 2023-08-16. Review status: criteria provided, single submitter. Criteria: ACMG Guidelines, 2015. Collection method: clinical testing. Allele origin: germline. Affected: yes.
Comment: The variant is observed at an extremely low frequency in the gnomAD v2.1.1 dataset (total allele frequency: 0.001%). Predicted Consequence/Location: Stop-gained (nonsense): predicted to result in a loss or disruption of normal protein function through nonsense-mediated decay (NMD) or protein truncation. Multiple pathogenic variants are reported downstream of the variant. Regardless of the mechanism, a variant called homozygous is by default in trans. The variant has been reported to be associated with PRMT7 related disorder (PMID: 36399134). Therefore, this variant is classified as Pathogenic according to the recommendation of ACMG/AMP guideline.

Medical Genetics Laboratory, AJA University of Medical Sciences
Classification: Pathogenic for Short stature-brachydactyly-obesity-global developmental delay syndrome. Review status: no assertion criteria provided. Collection method: clinical testing. Allele origin: germline. Affected: yes. Observed: 1 homozygote. Not counted in ClinVar's aggregate classification.
Comment: The p.Gln28* variant in PRMT7 gene causes a stop gained change involving the alteration of a conserved nucleotide. The variant allele was found at a frequency of 0.0000031 in 1,613,270 control chromosomes in the GnomAD database, with no homozygous occurrence. In-silico tool predicts a pathogenic outcome for this variant.

Literature cited by the submitters: PubMed 36399134 (cited by 3billion).

NM_019023.5(PRMT7):c.82C>T (p.Gln28Ter)

Gene: PRMT7 (protein arginine methyltransferase 7; plus strand). Cytogenetic location: 16q22.1.
Variant type: single nucleotide variant.
Coding change: c.82C>T on transcript NM_019023.5 (MANE Select); coding-DNA position 82, C replaced by T.
Protein change: p.Gln28Ter; replaces glutamine 28 with a stop codon.
Molecular consequence: nonsense. On other transcripts: synonymous variant (1), 5 prime UTR variant (3), non-coding transcript variant (12).
Genome position (GRCh38, 1-based): chr16:68,316,061, C>T. VCF-style: chr16-68316061-C-T. GRCh37 (hg19) VCF-style: chr16-68349964-C-T.
Other names: c.82C>T, p.Gln28Ter (NM_001184824.4, NM_001290018.2, NM_001351143.3 and 2 more transcripts); c.21C>T, p.Thr7= (NM_001378020.1); c.-119C>T (NM_001378021.1, NM_001378022.1, NM_001378023.1); short protein forms Q28*.
Identifiers: ClinVar variation 3775502 (VCV003775502.2).